The following is an entry in ClinVar:

ClinVar aggregate classification (germline): Uncertain significance (1 of 4 stars; one submission).

Conditions:
KBG syndrome (KBGS). Also called: ANKRD11-Related KBG Syndrome. Identifiers: Orphanet 2332, MedGen C0220687, MONDO:0007846, OMIM 148050.

Allele frequency attached by ClinVar (database versions not stated): gnomAD exomes below 0.00001; ExAC 0.00002; TOPMed 0.00002.
gnomAD v4.1: 7 of 1,613,980 alleles (0.00043%); highest among the groups gnomAD compares: East Asian, 0.016%; no homozygotes.

Submission:

Labcorp Genetics (formerly Invitae), Labcorp
Classification: Uncertain significance for KBG syndrome. Last evaluated: 2023-08-03. Review status: criteria provided, single submitter. Criteria: Invitae Variant Classification Sherloc (09022015). Collection method: clinical testing. Allele origin: germline.
Comment: In summary, the available evidence is currently insufficient to determine the role of this variant in disease. Therefore, it has been classified as a Variant of Uncertain Significance. Advanced modeling of protein sequence and biophysical properties (such as structural, functional, and spatial information, amino acid conservation, physicochemical variation, residue mobility, and thermodynamic stability) performed at Invitae indicates that this missense variant is not expected to disrupt ANKRD11 protein function. This variant has not been reported in the literature in individuals affected with ANKRD11-related conditions. This variant is present in population databases (rs779451459, gnomAD 0.03%). This sequence change replaces leucine, which is neutral and non-polar, with valine, which is neutral and non-polar, at codon 674 of the ANKRD11 protein (p.Leu674Val).

NM_013275.6(ANKRD11):c.2020T>G (p.Leu674Val)

Gene: ANKRD11 (ankyrin repeat domain 11; minus strand). Cytogenetic location: 16q24.3.
Variant type: single nucleotide variant.
Coding change: c.2020T>G on transcript NM_013275.6 (MANE Select); coding-DNA position 2020, T replaced by G.
Protein change: p.Leu674Val; replaces leucine 674 with valine.
Molecular consequence: missense variant.
Genome position (GRCh38, 1-based): chr16:89,284,522, A>C on the plus strand (T>G on the coding strand, the complement: ANKRD11 is on the minus strand). VCF-style: chr16-89284522-A-C. GRCh37 (hg19) VCF-style: chr16-89350930-A-C.
Other names: c.2020T>G, p.Leu674Val (NM_001256182.2, NM_001256183.2); short protein forms L674V.
Identifiers: ClinVar variation 3015140 (VCV003015140.3), dbSNP rs779451459, ClinGen allele CA8242646.
Genomic context (GRCh38, chr16:89,284,522, plus strand): 5'-AGTGGTCGCGATCGTGCTTTAACACTTTTAGCTTGTTTTCAGTGGAAAGATCATTCTCTA[A>C]CAGTATAGCCTTATCTGACTTCTGCTTGGAGTCCTCATATTCGTAAGTAAAACTTTTCAA-3'
Protein context (NP_037407.4, residues 664-684): SKQKSDKAIL[Leu674Val]ENDLSTENKL